The following is an entry in ClinVar:

ClinVar aggregate classification (germline): Uncertain significance. Review status: criteria provided, multiple submitters, no conflicts (2 of 4 stars). 3 submissions from 3 submitters: Uncertain significance (3). Last evaluated 2026-09-09.

Conditions:
Arrhythmogenic right ventricular dysplasia 9 (ARVD9). Also called: Arrhythmogenic Right Ventricular Dysplasia/Cardiomyopathy 9; ARRHYTHMOGENIC RIGHT VENTRICULAR DYSPLASIA, FAMILIAL, 9. Identifiers: MedGen C1836906, MONDO:0012180, OMIM 609040.
Cardiomyopathy (CMYO). Also called: Cardiomyopathies. Identifiers: Orphanet 167848, MedGen C0878544, MONDO:0004994, HP:0001638. Inheritance: Various modes of inheritance.
Cardiovascular phenotype. Identifiers: MedGen CN230736.

Allele frequency attached by ClinVar (database versions not stated): TOPMed below 0.00001; gnomAD 0.00001; gnomAD exomes 0.00001.
gnomAD v4.1: 14 of 1,612,768 alleles (0.00087%); highest among the groups gnomAD compares: Non-Finnish European, 0.0011%; no homozygotes.

Submissions (3):

Ambry Genetics
Classification: Uncertain significance for Cardiovascular phenotype. Last evaluated: 2026-09-09. Review status: criteria provided, single submitter. Criteria: Ambry Variant Classification Scheme 2023. Collection method: clinical testing. Allele origin: germline.
Comment: The p.G560A variant (also known as c.1679G>C), located in coding exon 7 of the PKP2 gene, results from a G to C substitution at nucleotide position 1679. The glycine at codon 560 is replaced by alanine, an amino acid with similar properties. This amino acid position is highly conserved in available vertebrate species. In addition, this alteration is predicted to be deleterious by in silico analysis. Based on the available evidence, the clinical significance of this variant remains unclear.

Labcorp Genetics (formerly Invitae), Labcorp
Classification: Uncertain significance for Arrhythmogenic right ventricular dysplasia 9. Last evaluated: 2026-01-14. Review status: criteria provided, single submitter. Criteria: Invitae Variant Classification Sherloc (09022015). Collection method: clinical testing. Allele origin: germline.
Comment: This sequence change replaces glycine, which is neutral and non-polar, with alanine, which is neutral and non-polar, at codon 560 of the PKP2 protein (p.Gly560Ala). This variant is not present in population databases (gnomAD no frequency). This variant has not been reported in the literature in individuals affected with PKP2-related conditions. ClinVar contains an entry for this variant (Variation ID: 924706). An algorithm developed to predict the effect of missense changes on protein structure and function (PolyPhen-2) suggests that this variant is likely to be disruptive. In summary, the available evidence is currently insufficient to determine the role of this variant in disease. Therefore, it has been classified as a Variant of Uncertain Significance.

Color Diagnostics, LLC DBA Color Health
Classification: Uncertain significance for Cardiomyopathy. Last evaluated: 2024-03-06. Review status: criteria provided, single submitter. Criteria: ACMG Guidelines, 2015. Collection method: clinical testing. Allele origin: germline.
Comment: This missense variant replaces glycine with alanine at codon 560 of the PKP2 protein. Computational prediction suggests that this variant may have deleterious impact on protein structure and function (internally defined REVEL score threshold >= 0.7, PMID: 27666373). Splice site prediction tools suggest that this variant may not impact RNA splicing. To our knowledge, functional studies have not been performed for this variant. This variant has not been reported in individuals affected with cardiovascular disorders in the literature. This variant has not been identified in the general population by the Genome Aggregation Database (gnomAD). The available evidence is insufficient to determine the role of this variant in disease conclusively. Therefore, this variant is classified as a Variant of Uncertain Significance.

NM_001005242.3(PKP2):c.1547G>C (p.Gly516Ala)

Gene: PKP2 (plakophilin 2; minus strand). Cytogenetic location: 12p11.21.
Variant type: single nucleotide variant.
Coding change: c.1547G>C on transcript NM_001005242.3 (MANE Select); coding-DNA position 1547, G replaced by C.
Protein change: p.Gly516Ala; replaces glycine 516 with alanine.
Molecular consequence: missense variant.
Genome position (GRCh38, 1-based): chr12:32,841,037, C>G on the plus strand (G>C on the coding strand, the complement: PKP2 is on the minus strand). VCF-style: chr12-32841037-C-G. GRCh37 (hg19) VCF-style: chr12-32993971-C-G.
Other names: c.1679G>C, p.Gly560Ala (NM_004572.4); short protein forms G516A, G560A.
Identifiers: ClinVar variation 924706 (VCV000924706.6), dbSNP rs1402108604, ClinGen allele CA384367217.